The following is an entry in ClinVar:

NM_001042492.3(NF1):c.3796_3797del (p.Glu1266fs)

Gene: NF1 (neurofibromin 1; plus strand). Cytogenetic location: 17q11.2.
Variant type: Deletion.
Coding change: c.3796_3797del on transcript NM_001042492.3 (MANE Select); coding-DNA positions 3796 to 3797, 2 bases deleted (GA; older notation c.3796_3797delGA).
Protein change: p.Glu1266fs; shifts the reading frame from glutamic acid 1266.
Molecular consequence: frameshift variant.
Genome position (GRCh38, 1-based): chr17:31,235,698-31,235,699, GA deleted; deleting any 2 consecutive bases within chr17:31,235,697-31,235,699 gives the same sequence; the c. name uses the placement nearest the transcript's 3' end. VCF-style (leftmost placement, unchanged base first): chr17-31235696-TAG-T. GRCh37 (hg19) VCF-style: chr17-29562714-TAG-T.
Other names: c.3796_3797delGA, p.Glu1266Ilefs (NM_000267.4); short protein forms E1266fs.
Identifiers: ClinVar variation 1334714 (VCV001334714.4), dbSNP rs2151437911, ClinGen allele CA2573054382.

ClinVar aggregate classification (germline): Likely pathogenic (1 of 4 stars; one submission).

Conditions:
Neurofibromatosis, type 1 (NF1). Also called: Peripheral type neurofibromatosis; Neurofibromatosis, type I; VON RECKLINGHAUSEN DISEASE; NEUROFIBROMATOSIS, TYPE I, SOMATIC. Identifiers: Orphanet 636, MedGen C0027831, MONDO:0018975, OMIM 162200. Disease mechanism: loss of function.

Submission:

Greenwood Genetic Center Diagnostic Laboratories, Greenwood Genetic Center
Classification: Likely pathogenic for Neurofibromatosis, type 1. Last evaluated: 2021-04-13. Review status: criteria provided, single submitter. Criteria: ACMG Guidelines, 2015. Collection method: clinical testing. Allele origin: germline. Affected: yes.
Comment: PVS1, PM2